The following is an entry in ClinVar:

NM_000059.4(BRCA2):c.3941del (p.Lys1314fs)

Gene: BRCA2 (BRCA2 DNA repair associated; plus strand). Cytogenetic location: 13q13.1.
Variant type: Deletion.
Coding change: c.3941del on transcript NM_000059.4 (MANE Select); coding-DNA position 3941, one base deleted (A; older notation c.3941delA).
Protein change: p.Lys1314fs; shifts the reading frame from lysine 1314.
Molecular consequence: frameshift variant. On other transcripts: non-coding transcript variant (1), intron variant (2).
Genome position (GRCh38, 1-based): chr13:32,338,296, A deleted; the last of 2 consecutive A bases (chr13:32,338,295-32,338,296); deleting either gives the same sequence. VCF-style (leftmost placement, unchanged base first): chr13-32338294-CA-C. GRCh37 (hg19) VCF-style: chr13-32912431-CA-C.
Other names: c.3941del, p.Lys1314fs (NM_001406719.1, NM_001406720.1, NM_001432077.1); c.1909+4909del (NM_001406721.1); c.425-6262del (NM_001406722.1); short protein forms K1314fs.
Identifiers: ClinVar variation 3894397 (VCV003894397.1).

ClinVar aggregate classification (germline): Pathogenic (1 of 4 stars; one submission).

Conditions:
Hereditary cancer-predisposing syndrome. Also called: Neoplastic Syndromes, Hereditary; Tumor predisposition; Hereditary Cancer Syndrome; Hereditary neoplastic syndrome. Identifiers: Orphanet 140162, MedGen C0027672, MeSH D009386, MONDO:0015356.

Submission:

Color Diagnostics, LLC DBA Color Health
Classification: Pathogenic for Hereditary cancer-predisposing syndrome. Last evaluated: 2023-09-18. Review status: criteria provided, single submitter. Criteria: ACMG Guidelines, 2015. Collection method: clinical testing. Allele origin: germline.
Comment: This variant deletes 1 nucleotide in exon 11 of the BRCA2 gene, creating a frameshift and premature translation stop signal. This variant is expected to result in an absent or non-functional protein product. To our knowledge, this variant has not been reported in individuals affected with BRCA2-related disorders in the literature. This variant has not been identified in the general population by the Genome Aggregation Database (gnomAD). Loss of BRCA2 function is a known mechanism of disease. Based on the available evidence, this variant is classified as Pathogenic.